The following is an entry in ClinVar:

ClinVar aggregate classification (germline): Benign. Review status: criteria provided, multiple submitters, no conflicts (2 of 4 stars). 10 submissions from 10 submitters: Benign (8). 2 of the submissions do not count toward it. Last evaluated 2026-02-04.

Conditions:
Ornithine aminotransferase deficiency (GACR). Also called: Ornithine ketoacid aminotransferase deficiency; Gyrate atrophy; Gyrate atrophy of choroid and retina; Girate atrophy of the retina; HYPERORNITHINEMIA WITH GYRATE ATROPHY OF CHOROID AND RETINA; OKT DEFICIENCY. Identifiers: Orphanet 414, MedGen C0018425, MONDO:0009796, OMIM 258870.

Allele frequency attached by ClinVar (database versions not stated): ESP Exome Variant Server 0.80870; TOPMed 0.81776; gnomAD 0.81973 and 0.82463; gnomAD exomes 0.83294 and 0.85249; ExAC 0.85261; 1000 Genomes Project 30x 0.85915; 1000 Genomes Project 0.86581.

Submissions (10):

Labcorp Genetics (formerly Invitae), Labcorp
Classification: Benign for Ornithine aminotransferase deficiency. Last evaluated: 2026-02-04. Review status: criteria provided, single submitter. Criteria: Invitae Variant Classification Sherloc (09022015). Collection method: clinical testing. Allele origin: germline.

Blueprint Genetics
Classification: Benign. Last evaluated: 2024-11-27. Review status: criteria provided, single submitter. Criteria: ACMG Guidelines, 2015. Collection method: clinical testing. Allele origin: germline.

Mayo Clinic Laboratories, Mayo Clinic
Classification: Benign. Last evaluated: 2021-10-17. Review status: criteria provided, single submitter. Criteria: ACMG Guidelines, 2015. Collection method: clinical testing. Allele origin: germline. Observed: 70 variant alleles.

Genome-Nilou Lab
Classification: Benign for Ornithine aminotransferase deficiency. Last evaluated: 2021-07-10. Review status: criteria provided, single submitter. Criteria: ACMG Guidelines, 2015. Collection method: clinical testing. Allele origin: germline. Affected: no.

GeneDx
Classification: Benign. Last evaluated: 2018-06-19. Review status: criteria provided, single submitter. Criteria: GeneDx Variant Classification (06012015). Collection method: clinical testing. Allele origin: germline. Affected: yes.
Comment: This variant is considered likely benign or benign based on one or more of the following criteria: it is a conservative change, it occurs at a poorly conserved position in the protein, it is predicted to be benign by multiple in silico algorithms, and/or has population frequency not consistent with disease.

Illumina Laboratory Services, Illumina
Classification: Benign for Ornithine aminotransferase deficiency. Last evaluated: 2018-01-12. Review status: criteria provided, single submitter. Criteria: ICSL Variant Classification Criteria 13 December 2019. Collection method: clinical testing. Allele origin: germline.
Comment: This variant was observed in the ICSL laboratory as part of a predisposition screen in an ostensibly healthy population. It had not been previously curated by ICSL or reported in the Human Gene Mutation Database (HGMD: prior to June 1st, 2018), and was therefore a candidate for classification through an automated scoring system. Utilizing variant allele frequency, disease prevalence and penetrance estimates, and inheritance mode, an automated score was calculated to assess if this variant is too frequent to cause the disease. Based on the score and internal cut-off values, a variant classified as benign is not then subjected to further curation. The score for this variant resulted in a classification of benign for this disease.

Eurofins Ntd Llc (ga)
Classification: Benign. Last evaluated: 2013-12-17. Review status: criteria provided, single submitter. Criteria: EGL Classification Definitions 2015. Collection method: clinical testing. Allele origin: germline. Observed: 1 variant allele, 1 homozygote.

Breakthrough Genomics
Classification: Benign. Review status: criteria provided, single submitter. Criteria: ACMG Guidelines, 2015. Collection method: not provided. Allele origin: germline. Inheritance: Autosomal recessive inheritance. Affected: yes.

Diagnostic Laboratory, Department of Genetics, University Medical Center Groningen
Classification: Benign. Review status: no assertion criteria provided. Collection method: clinical testing. Allele origin: germline. Affected: yes. Study: VKGL Data-share Consensus. Not counted in ClinVar's aggregate classification.

Joint Genome Diagnostic Labs from Nijmegen and Maastricht, Radboudumc and MUMC+
Classification: Benign. Review status: no assertion criteria provided. Collection method: clinical testing. Allele origin: germline. Affected: yes. Study: VKGL Data-share Consensus. Not counted in ClinVar's aggregate classification.

NM_000274.4(OAT):c.648+14A>G

Gene: OAT (ornithine aminotransferase; minus strand). Cytogenetic location: 10q26.13.
Variant type: single nucleotide variant.
Coding change: c.648+14A>G on transcript NM_000274.4 (MANE Select); 14 bases into the intron after coding-DNA position 648, A replaced by G.
Molecular consequence: intron variant.
Genome position (GRCh38, 1-based): chr10:124,405,422, T>C on the plus strand (A>G on the coding strand, the complement: OAT is on the minus strand). VCF-style: chr10-124405422-T-C. GRCh37 (hg19) VCF-style: chr10-126093991-T-C.
Other names: p.?; c.648+14A>G (NM_001322965.2, NM_001322969.2, NM_001322966.2 and 3 more transcripts); c.234+14A>G (NM_001171814.2); c.48+14A>G (NM_001322974.2); c.327+14A>G (NM_001322971.2).
Identifiers: ClinVar variation 167396 (VCV000167396.27), dbSNP rs9422807, ClinGen allele CA180261.
Genomic context (GRCh38, chr10:124,405,422, plus strand): 5'-ACTTTTAATTCATATATTCAACAGCTTTAATTTCTATTCCCAATGAGCTGAGCACTATGA[T>C]GCTAGTGAAATACCTCCAGTGCGGGCAGATCATTATAGGGAATGATGTCGAATCCCGGCA-3'